The following is an entry in ClinVar:

ClinVar aggregate classification (germline): Likely benign. Review status: criteria provided, multiple submitters, no conflicts (2 of 4 stars). 3 submissions from 3 submitters: Likely benign (2). 1 of the submissions does not count toward it. Last evaluated 2025-10-21.

Conditions:
AEBP1-related disorder. Also called: AEBP1-related condition.

Allele frequency attached by ClinVar (database versions not stated): ExAC 0.00014; 1000 Genomes Project 0.00020; TOPMed 0.00044; gnomAD exomes 0.00003; 1000 Genomes Project 30x 0.00031; ESP Exome Variant Server 0.00031; gnomAD 0.00036.
gnomAD v4.1: 98 of 1,613,774 alleles (0.0061%); highest among the groups gnomAD compares: African/African-American, 0.11%; no homozygotes.

Submissions (3):

Labcorp Genetics (formerly Invitae), Labcorp
Classification: Likely benign. Last evaluated: 2025-10-21. Review status: criteria provided, single submitter. Criteria: Invitae Variant Classification Sherloc (09022015). Collection method: clinical testing. Allele origin: germline.

Mayo Clinic Laboratories, Mayo Clinic
Classification: Likely benign. Last evaluated: 2025-10-06. Review status: criteria provided, single submitter. Criteria: ACMG Guidelines, 2015. Collection method: clinical testing. Allele origin: germline. Observed: 2 variant alleles.
Comment: BS1, BP4, BP7

PreventionGenetics, part of Exact Sciences
Classification: Likely benign for AEBP1-related condition. Last evaluated: 2021-09-07. Review status: no assertion criteria provided. Collection method: clinical testing. Allele origin: germline. Not counted in ClinVar's aggregate classification.
Comment: This variant is classified as likely benign based on ACMG/AMP sequence variant interpretation guidelines (Richards et al. 2015 PMID: 25741868, with internal and published modifications).

NM_001129.5(AEBP1):c.1335G>A (p.Glu445=)

Gene: AEBP1 (AE binding protein 1; plus strand). Cytogenetic location: 7p13.
Variant type: single nucleotide variant.
Coding change: c.1335G>A on transcript NM_001129.5 (MANE Select); coding-DNA position 1335, G replaced by A.
Protein change: p.Glu445=; no amino-acid change (glutamic acid 445 retained).
Molecular consequence: synonymous variant.
Genome position (GRCh38, 1-based): chr7:44,110,281, G>A. VCF-style: chr7-44110281-G-A. GRCh37 (hg19) VCF-style: chr7-44149880-G-A.
Other names: p.Glu445=; c.1335G>A (NM_001129.4).
Identifiers: ClinVar variation 2847329 (VCV002847329.6), dbSNP rs140926602, ClinGen allele CA4237860.
Genomic context (GRCh38, chr7:44,110,281, plus strand): 5'-GGACGACTACTATGATGGTGCGTGGTGTGCCGAGGACGATGCCAGGACCCAGTGGATAGA[G>A]GTGGACACCAGGAGGACTACCCGGTTCACAGGCGTCATCACCCAGGGCAGAGACTCCAGC-3'
Protein context (NP_001120.3, residues 435-455): AEDDARTQWI[Glu445=]VDTRRTTRFT